The following is an entry in ClinVar:

NM_001267550.2(TTN):c.79267G>T (p.Val26423Leu)

Genes: TTN (titin; minus strand), TTN-AS1 (TTN antisense RNA 1; plus strand). Cytogenetic location: 2q31.2.
Variant type: single nucleotide variant.
Coding change: c.79267G>T on transcript NM_001267550.2 (MANE Select); coding-DNA position 79267, G replaced by T.
Protein change: p.Val26423Leu; replaces valine 26423 with leucine.
Molecular consequence: missense variant.
Genome position (GRCh38, 1-based): chr2:178,566,865, C>A on the plus strand (G>T on the coding strand, the complement: TTN is on the minus strand). VCF-style: chr2-178566865-C-A. GRCh37 (hg19) VCF-style: chr2-179431592-C-A.
Other names: c.74344G>T, p.Val24782Leu (NM_001256850.1); c.52072G>T, p.Val17358Leu (NM_003319.4); c.71563G>T, p.Val23855Leu (NM_133378.4); c.52447G>T, p.Val17483Leu (NM_133432.3); c.52648G>T, p.Val17550Leu (NM_133437.4); short protein forms V24782L, V17358L, V23855L, V17483L, V26423L, V17550L.
Identifiers: ClinVar variation 1746073 (VCV001746073.5), dbSNP rs1706066147, ClinGen allele CA349598340.

ClinVar aggregate classification (germline): Uncertain significance. Review status: criteria provided, multiple submitters, no conflicts (2 of 4 stars). 2 submissions from 2 submitters: Uncertain significance (2). Last evaluated 2019-10-01.

Conditions:
Cardiovascular phenotype. Identifiers: MedGen CN230736.

Allele frequency attached by ClinVar (database versions not stated): gnomAD 0.00002; TOPMed 0.00005.
gnomAD v4.1: 3 of 1,613,316 alleles (0.00019%); highest among the groups gnomAD compares: Admixed American, 0.005%; no homozygotes.

Submissions (2):

Ambry Genetics
Classification: Uncertain significance for Cardiovascular phenotype. Last evaluated: 2019-10-01. Review status: criteria provided, single submitter. Criteria: Ambry Variant Classification Scheme 2023. Collection method: clinical testing. Allele origin: germline.
Comment: The p.V17358L variant (also known as c.52072G>T), located in coding exon 153 of the TTN gene, results from a G to T substitution at nucleotide position 52072. The valine at codon 17358 is replaced by leucine, an amino acid with highly similar properties. This amino acid position is highly conserved in available vertebrate species. In addition, this alteration is predicted to be tolerated by in silico analysis. Since supporting evidence is limited at this time, the clinical significance of this alteration remains unclear.

Revvity Omics, Revvity
Classification: Uncertain significance. Last evaluated: 2019-03-29. Review status: criteria provided, single submitter. Criteria: ACMG Guidelines, 2015. Collection method: clinical testing. Allele origin: germline.